The following is an entry in ClinVar:

NM_007118.4(TRIO):c.2533G>A (p.Val845Ile)

Gene: TRIO (trio Rho guanine nucleotide exchange factor; plus strand). Cytogenetic location: 5p15.2.
Variant type: single nucleotide variant.
Coding change: c.2533G>A on transcript NM_007118.4 (MANE Select); coding-DNA position 2533, G replaced by A.
Protein change: p.Val845Ile; replaces valine 845 with isoleucine.
Molecular consequence: missense variant. On other transcripts: non-coding transcript variant (1).
Genome position (GRCh38, 1-based): chr5:14,363,873, G>A. VCF-style: chr5-14363873-G-A. GRCh37 (hg19) VCF-style: chr5-14363982-G-A.
Other names: short protein forms V845I.
Identifiers: ClinVar variation 3025274 (VCV003025274.22), dbSNP rs149099057, ClinGen allele CA3205929.

ClinVar aggregate classification (germline): Likely benign (1 of 4 stars; one submission).

Allele frequency attached by ClinVar (database versions not stated): ESP Exome Variant Server 0.00008; ExAC 0.00010; TOPMed 0.00012; gnomAD 0.00016; gnomAD exomes 0.00016; 1000 Genomes Project 0.00040; 1000 Genomes Project 30x 0.00047.
gnomAD v4.1: 253 of 1,614,110 alleles (0.016%); highest among the groups gnomAD compares: Non-Finnish European, 0.019%; no homozygotes.

Submission:

CeGaT Center for Human Genetics Tuebingen
Classification: Likely benign. Last evaluated: 2026-06-01. Review status: criteria provided, single submitter. Criteria: CeGaT Center For Human Genetics Tuebingen Variant Classification Criteria Version 2. Collection method: clinical testing. Allele origin: germline. Affected: yes. Observed: 2 variant alleles.
Comment: TRIO: BS2